The following is an entry in ClinVar:

NM_033026.6(PCLO):c.531T>A (p.Asp177Glu)

Gene: PCLO (piccolo presynaptic cytomatrix protein; minus strand). Cytogenetic location: 7q21.11.
Variant type: single nucleotide variant.
Coding change: c.531T>A on transcript NM_033026.6 (MANE Select); coding-DNA position 531, T replaced by A.
Protein change: p.Asp177Glu; replaces aspartic acid 177 with glutamic acid.
Molecular consequence: missense variant.
Genome position (GRCh38, 1-based): chr7:83,156,110, A>T on the plus strand (T>A on the coding strand, the complement: PCLO is on the minus strand). VCF-style: chr7-83156110-A-T. GRCh37 (hg19) VCF-style: chr7-82785426-A-T.
Other names: c.531T>A, p.Asp177Glu (NM_014510.3); short protein forms D177E.
Identifiers: ClinVar variation 1476520 (VCV001476520.6), dbSNP rs2116693196, ClinGen allele CA367920743.

ClinVar aggregate classification (germline): Uncertain significance (1 of 4 stars; one submission).

Submission:

Labcorp Genetics (formerly Invitae), Labcorp
Classification: Uncertain significance. Last evaluated: 2022-08-31. Review status: criteria provided, single submitter. Criteria: Invitae Variant Classification Sherloc (09022015). Collection method: clinical testing. Allele origin: germline.
Comment: This sequence change replaces aspartic acid, which is acidic and polar, with glutamic acid, which is acidic and polar, at codon 177 of the PCLO protein (p.Asp177Glu). In summary, the available evidence is currently insufficient to determine the role of this variant in disease. Therefore, it has been classified as a Variant of Uncertain Significance. Algorithms developed to predict the effect of sequence changes on RNA splicing suggest that this variant may disrupt the consensus splice site. Algorithms developed to predict the effect of missense changes on protein structure and function are either unavailable or do not agree on the potential impact of this missense change (SIFT: "Tolerated"; PolyPhen-2: "Not Available"; Align-GVGD: "Class C0"). ClinVar contains an entry for this variant (Variation ID: 1476520). This variant has not been reported in the literature in individuals affected with PCLO-related conditions. This variant is not present in population databases (gnomAD no frequency).